The following is an entry in ClinVar:

NM_002206.3(ITGA7):c.2453TCT[2] (p.Phe820del)

Genes: ITGA7 (integrin subunit alpha 7; minus strand), LOC126861535 (CDK7 strongly-dependent group 2 enhancer GRCh37_chr12:56087579-56088778; plus strand). Cytogenetic location: 12q13.2.
Variant type: Microsatellite.
Coding change: c.2453TCT[2] on transcript NM_002206.3 (MANE Select); two copies in a row of the 3-base unit TCT starting at c.2453; the reference has three copies in a row; one copy, 3 bases deleted.
Protein change: p.Phe820del; deletes phenylalanine 820.
Molecular consequence: inframe deletion. On other transcripts: frameshift variant (9).
Genome position (GRCh38, 1-based): chr12:55,694,095-55,694,097, AGA deleted on the plus strand (TCT on the coding strand, the reverse complement: ITGA7 is on the minus strand); deleting any 3 consecutive bases within chr12:55,694,095-55,694,103 gives the same sequence; the position shown is the placement nearest the transcript's 3' end. VCF-style (leftmost placement, unchanged base first): chr12-55694094-GAGA-G. GRCh37 (hg19) VCF-style: chr12-56087878-GAGA-G.
Other names: c.2465TCT[2], p.Phe824del (NM_001144996.2); c.2174_2176TCT[2], p.Phe727Trpfs (NM_001144997.2); c.2126TCT[2], p.Phe711del (NM_001367993.1); c.1109TCT[2], p.Phe372del (NM_001367994.1); c.2435TCT[2], p.Phe814del (NM_001374465.1); c.2585_2587TCT[2], p.Phe864Trpfs (NM_001410977.1); c.2447_2449TCT[2], p.Phe818Trpfs (NM_001414029.1); c.2378_2380TCT[2], p.Phe795Trpfs (NM_001414030.1); and 5 more; short protein forms F711del, F727del, F814del, F824del, F372del, F820del.
Identifiers: ClinVar variation 1504130 (VCV001504130.6), dbSNP rs889073101, ClinGen allele CA237568213.

ClinVar aggregate classification (germline): Uncertain significance (1 of 4 stars; one submission).

Conditions:
Congenital muscular dystrophy due to integrin alpha-7 deficiency. Also called: MYOPATHY, CONGENITAL, DUE TO INTEGRIN ALPHA-7 DEFICIENCY; Congenital muscular dystrophy with integrin alpha-7 deficiency; Muscular dystrophy, congenital, due to ITGA7 deficiency. Identifiers: Orphanet 34520, MedGen C2750786, MONDO:0013177, OMIM 613204.

Submission:

Labcorp Genetics (formerly Invitae), Labcorp
Classification: Uncertain significance for Congenital muscular dystrophy due to integrin alpha-7 deficiency. Last evaluated: 2022-10-25. Review status: criteria provided, single submitter. Criteria: Invitae Variant Classification Sherloc (09022015). Collection method: clinical testing. Allele origin: germline.
Comment: In summary, the available evidence is currently insufficient to determine the role of this variant in disease. Therefore, it has been classified as a Variant of Uncertain Significance. Experimental studies and prediction algorithms are not available or were not evaluated, and the functional significance of this variant is currently unknown. This variant has not been reported in the literature in individuals affected with ITGA7-related conditions. This variant is not present in population databases (gnomAD no frequency). This variant, c.2459_2461del, results in the deletion of 1 amino acid(s) of the ITGA7 protein (p.Phe820del), but otherwise preserves the integrity of the reading frame.